The following is an entry in ClinVar:

ClinVar aggregate classification (germline): Uncertain significance (1 of 4 stars; one submission).

Submission:

Dasa
Classification: Uncertain significance. Last evaluated: 2024-12-24. Review status: criteria provided, single submitter. Criteria: DASA Assertion Criteria. Collection method: clinical testing. Allele origin: germline.
Comment: NM_032217.5(ANKRD17):c.6331C>T (p.Pro2111Ser) is a missense variant that results in the substitution of proline with serine. This variant is absent from population databases. Computational prediction algorithms are consistent with a benign effect. The currently available literature and clinical evidence are not sufficient to establish a definitive association between this variant and the reported condition. Therefore, this variant is classified as a variant of uncertain significance.

NM_032217.5(ANKRD17):c.6331C>T (p.Pro2111Ser)

Gene: ANKRD17 (ankyrin repeat domain 17; minus strand). Cytogenetic location: 4q13.3.
Variant type: single nucleotide variant.
Coding change: c.6331C>T on transcript NM_032217.5 (MANE Select); coding-DNA position 6331, C replaced by T.
Protein change: p.Pro2111Ser; replaces proline 2111 with serine.
Molecular consequence: missense variant.
Genome position (GRCh38, 1-based): chr4:73,091,297, G>A on the plus strand (C>T on the coding strand, the complement: ANKRD17 is on the minus strand). VCF-style: chr4-73091297-G-A. GRCh37 (hg19) VCF-style: chr4-73957014-G-A.
Other names: c.5992C>T, p.Pro1998Ser (NM_001286771.3); c.6328C>T, p.Pro2110Ser (NM_015574.2); c.5578C>T, p.Pro1860Ser (NM_198889.3); short protein forms P1860S, P1998S, P2110S, P2111S.
Identifiers: ClinVar variation 4886683 (VCV004886683.2).